The following is an entry in ClinVar:

ClinVar aggregate classification (germline): Conflicting classifications of pathogenicity. Review status: criteria provided, conflicting classifications (1 of 4 stars). 4 submissions from 4 submitters: Uncertain significance (1); Likely benign (3). Last evaluated 2025-10-06.

Conditions:
Holoprosencephaly 9 (HPE9). Also called: HOLOPROSENCEPHALY WITH MICROPHTHALMIA AND FIRST BRANCHIAL ARCH ANOMALIES; PITUITARY ANOMALIES WITH HOLOPROSENCEPHALY-LIKE FEATURES. Identifiers: Orphanet 2162, MedGen C1835819, MONDO:0012563, OMIM 610829.
Postaxial polydactyly-anterior pituitary anomalies-facial dysmorphism syndrome. Also called: Culler-Jones syndrome. Identifiers: Orphanet 420584, MedGen C4014479, MONDO:0014369, OMIM 615849.

Allele frequency attached by ClinVar (database versions not stated): ExAC 0.00014; ESP Exome Variant Server 0.00015; 1000 Genomes Project 30x 0.00016; gnomAD exomes 0.00017 and 0.00053; 1000 Genomes Project 0.00020; TOPMed 0.00028; gnomAD 0.00032 and 0.00033.
gnomAD v4.1: 797 of 1,589,728 alleles (0.05%); highest among the groups gnomAD compares: Non-Finnish European, 0.065%; no homozygotes.

Submissions (4):

Women's Health and Genetics/Laboratory Corporation of America, LabCorp
Classification: Likely benign. Last evaluated: 2025-10-06. Review status: criteria provided, single submitter. Criteria: LabCorp Variant Classification Summary - May 2015. Collection method: clinical testing. Allele origin: germline.

Labcorp Genetics (formerly Invitae), Labcorp
Classification: Likely benign for Postaxial polydactyly-anterior pituitary anomalies-facial dysmorphism syndrome; Holoprosencephaly 9. Last evaluated: 2025-05-27. Review status: criteria provided, single submitter. Criteria: Invitae Variant Classification Sherloc (09022015). Collection method: clinical testing. Allele origin: germline.

CeGaT Center for Human Genetics Tuebingen
Classification: Likely benign. Last evaluated: 2022-10-01. Review status: criteria provided, single submitter. Criteria: CeGaT Center For Human Genetics Tuebingen Variant Classification Criteria Version 2. Collection method: clinical testing. Allele origin: germline. Affected: yes. Observed: 1 variant allele.
Comment: GLI2: BP4, BP7

Eurofins Ntd Llc (ga)
Classification: Uncertain significance. Last evaluated: 2014-12-10. Review status: criteria provided, single submitter. Criteria: EGL Classification Definitions 2015. Collection method: clinical testing. Allele origin: germline. Observed: 1 variant allele, 1 heterozygote.

NM_001374353.1(GLI2):c.2251C>T (p.Leu751=)

Gene: GLI2 (GLI family zinc finger 2; plus strand). Cytogenetic location: 2q14.2.
Variant type: single nucleotide variant.
Coding change: c.2251C>T on transcript NM_001374353.1 (MANE Select); coding-DNA position 2251, C replaced by T.
Protein change: p.Leu751=; no amino-acid change (leucine 751 retained).
Molecular consequence: synonymous variant.
Genome position (GRCh38, 1-based): chr2:120,988,216, C>T. VCF-style: chr2-120988216-C-T. GRCh37 (hg19) VCF-style: chr2-121745792-C-T.
Other names: c.2302C>T, p.Leu768= (NM_001371271.1, NM_005270.5); c.1876C>T, p.Leu626= (NM_001374354.1).
Identifiers: ClinVar variation 194222 (VCV000194222.39), dbSNP rs200831069, ClinGen allele CA240085.
Genomic context (GRCh38, chr2:120,988,216, plus strand): 5'-GCAAGCAGCCACCCACCCTTGTCCCGGTGCTGACCCCTCTGCTCTCCCGCAGGCTCCATC[C>T]TGGAAAACTTCAGTGGCAGTGGGGGCGGCGGGCCCGCGGGGCTGCTGCCGAACCCGCGGC-3'
Protein context (NP_001361282.1, residues 741-761): LPPLPGSGSI[Leu751=]ENFSGSGGGG